The following is an entry in ClinVar:

ClinVar aggregate classification (germline): Conflicting classifications of pathogenicity. Review status: criteria provided, conflicting classifications (1 of 4 stars). 9 submissions from 9 submitters: Uncertain significance (1); Benign (4); Likely benign (3). 1 of the submissions does not count toward it. Last evaluated 2026-07-01.

Conditions:
RB1-related disorder. Also called: RB1-related condition.
Hereditary cancer-predisposing syndrome. Also called: Hereditary neoplastic syndrome; Tumor predisposition; Neoplastic Syndromes, Hereditary; Hereditary Cancer Syndrome. Identifiers: Orphanet 140162, MedGen C0027672, MeSH D009386, MONDO:0015356.
Retinoblastoma (RB1). Also called: RETINOBLASTOMA, SOMATIC. Identifiers: Orphanet 790, MedGen C0035335, MeSH D012175, MONDO:0008380, OMIM 180200, HP:0009919. Disease mechanism: loss of function. Inheritance: Both sporadic and heritable forms are tested..

Allele frequency attached by ClinVar (database versions not stated): ExAC 0.00003; gnomAD 0.00004 and 0.00005; gnomAD exomes 0.00004 and 0.00005; TOPMed 0.00004; ESP Exome Variant Server 0.00008.
gnomAD v4.1: 80 of 1,612,692 alleles (0.005%); highest among the groups gnomAD compares: Non-Finnish European, 0.0064%; no homozygotes.

Submissions (9):

CeGaT Center for Human Genetics Tuebingen
Classification: Likely benign. Last evaluated: 2026-07-01. Review status: criteria provided, single submitter. Criteria: CeGaT Center For Human Genetics Tuebingen Variant Classification Criteria Version 2. Collection method: clinical testing. Allele origin: germline. Affected: yes. Observed: 3 variant alleles.
Comment: RB1: BP4, BP7

Myriad Genetics, Inc.
Classification: Benign for Retinoblastoma. Last evaluated: 2026-06-23. Review status: criteria provided, single submitter. Criteria: Myriad Autosomal Dominant, Autosomal Recessive and X-Linked Classification Criteria (2023). Collection method: clinical testing. Allele origin: unknown.
Comment: This variant is considered benign. This variant is a silent/synonymous amino acid change and it is not expected to impact splicing.

Labcorp Genetics (formerly Invitae), Labcorp
Classification: Benign for Retinoblastoma. Last evaluated: 2026-01-25. Review status: criteria provided, single submitter. Criteria: Invitae Variant Classification Sherloc (09022015). Collection method: clinical testing. Allele origin: germline.

All of Us Research Program, National Institutes of Health
Classification: Benign for Retinoblastoma. Last evaluated: 2024-02-05. Review status: criteria provided, single submitter. Criteria: ACMG Guidelines, 2015. Collection method: clinical testing. Allele origin: germline. Inheritance: Autosomal dominant inheritance. Observed: 19 variant alleles, 19 heterozygotes.
Comment: This study involves interpretation of variants in research participants for the purpose of population health screening. Participant phenotype was not available at the time of variant classification. Additional details can be found in publication PMID: 35346344, PMCID: PMC8962531

Color Diagnostics, LLC DBA Color Health
Classification: Benign for Retinoblastoma. Last evaluated: 2022-04-26. Review status: criteria provided, single submitter. Criteria: ACMG Guidelines, 2015. Collection method: clinical testing. Allele origin: germline.

GeneDx
Classification: Likely benign. Last evaluated: 2018-10-25. Review status: criteria provided, single submitter. Criteria: GeneDx Variant Classification Process June 2021. Collection method: clinical testing. Allele origin: germline. Affected: yes.

Ambry Genetics
Classification: Likely benign for Hereditary cancer-predisposing syndrome. Last evaluated: 2018-10-17. Review status: criteria provided, single submitter. Criteria: Ambry Variant Classification Scheme 2023. Collection method: clinical testing. Allele origin: germline.

Illumina Laboratory Services, Illumina
Classification: Uncertain significance for Retinoblastoma. Last evaluated: 2018-01-13. Review status: criteria provided, single submitter. Criteria: ICSL Variant Classification Criteria 13 December 2019. Collection method: clinical testing. Allele origin: germline.

PreventionGenetics, part of Exact Sciences
Classification: Likely benign for RB1-related condition. Last evaluated: 2021-11-17. Review status: no assertion criteria provided. Collection method: clinical testing. Allele origin: germline. Not counted in ClinVar's aggregate classification.
Comment: This variant is classified as likely benign based on ACMG/AMP sequence variant interpretation guidelines (Richards et al. 2015 PMID: 25741868, with internal and published modifications).

NM_000321.3(RB1):c.462G>A (p.Lys154=)

Gene: RB1 (RB transcriptional corepressor 1; plus strand). Cytogenetic location: 13q14.2.
Variant type: single nucleotide variant.
Coding change: c.462G>A on transcript NM_000321.3 (MANE Select); coding-DNA position 462, G replaced by A.
Protein change: p.Lys154=; no amino-acid change (lysine 154 retained).
Molecular consequence: synonymous variant.
Genome position (GRCh38, 1-based): chr13:48,345,161, G>A. VCF-style: chr13-48345161-G-A. GRCh37 (hg19) VCF-style: chr13-48919297-G-A.
Identifiers: ClinVar variation 458169 (VCV000458169.33), dbSNP rs369830657, ClinGen allele CA038226.